The following is an entry in ClinVar:

NM_000092.5(COL4A4):c.5016A>G (p.Glu1672=)

Gene: COL4A4 (collagen type IV alpha 4 chain; minus strand). Cytogenetic location: 2q36.3.
Variant type: single nucleotide variant.
Coding change: c.5016A>G on transcript NM_000092.5 (MANE Select); coding-DNA position 5016, A replaced by G.
Protein change: p.Glu1672=; no amino-acid change (glutamic acid 1672 retained).
Molecular consequence: synonymous variant.
Genome position (GRCh38, 1-based): chr2:227,007,382, T>C on the plus strand (A>G on the coding strand, the complement: COL4A4 is on the minus strand). VCF-style: chr2-227007382-T-C. GRCh37 (hg19) VCF-style: chr2-227872098-T-C.
Other names: p.Glu1672=.
Identifiers: ClinVar variation 255044 (VCV000255044.34), dbSNP rs34761049, ClinGen allele CA2143998.

ClinVar aggregate classification (germline): Benign/Likely benign. Review status: criteria provided, multiple submitters, no conflicts (2 of 4 stars). 12 submissions from 12 submitters: Benign (5); Likely benign (6). 1 of the submissions does not count toward it. Last evaluated 2026-01-24.

Conditions:
Kidney disorder. Also called: renal disease; Nephropathy; Kidney disease; Kidney Diseases; renal disorder. Identifiers: MedGen C0022658, MONDO:0005240, HP:0000112.
Alport syndrome. Also called: Hemorrhagic familial nephritis; Hemorrhagic hereditary nephritis; Congenital hereditary hematuria. Identifiers: Orphanet 63, MedGen C1567741, MONDO:0018965.

Allele frequency attached by ClinVar (database versions not stated): gnomAD exomes 0.00021 and 0.00063; ExAC 0.00083; ESP Exome Variant Server 0.00221; gnomAD 0.00250 and 0.00264; TOPMed 0.00266; 1000 Genomes Project 30x 0.00297; 1000 Genomes Project 0.00319.
gnomAD v4.1: 699 of 1,614,232 alleles (0.043%); highest among the groups gnomAD compares: African/African-American, 0.85%; 5 homozygotes.

Submissions (12):

Labcorp Genetics (formerly Invitae), Labcorp
Classification: Benign. Last evaluated: 2026-01-24. Review status: criteria provided, single submitter. Criteria: Invitae Variant Classification Sherloc (09022015). Collection method: clinical testing. Allele origin: germline.

CeGaT Center for Human Genetics Tuebingen
Classification: Likely benign. Last evaluated: 2026-01-01. Review status: criteria provided, single submitter. Criteria: CeGaT Center For Human Genetics Tuebingen Variant Classification Criteria Version 2. Collection method: clinical testing. Allele origin: germline. Affected: yes. Observed: 1 variant allele.
Comment: COL4A4: BP4, BP7

Mayo Clinic Laboratories, Mayo Clinic
Classification: Benign. Last evaluated: 2025-03-20. Review status: criteria provided, single submitter. Criteria: ACMG Guidelines, 2015. Collection method: clinical testing. Allele origin: germline. Observed: 1 variant allele.
Comment: BA1, BP4, BP7

Blueprint Genetics
Classification: Likely benign. Last evaluated: 2023-04-17. Review status: criteria provided, single submitter. Criteria: ACMG Guidelines, 2015. Collection method: clinical testing. Allele origin: germline.

GeneDx
Classification: Benign. Last evaluated: 2019-12-24. Review status: criteria provided, single submitter. Criteria: GeneDx Variant Classification Process June 2021. Collection method: clinical testing. Allele origin: germline. Affected: yes.

Genome Diagnostics Laboratory, The Hospital for Sick Children
Classification: Likely benign for Kidney disorder. Last evaluated: 2018-05-01. Review status: criteria provided, single submitter. Criteria: ACMG Guidelines, 2015. Collection method: clinical testing. Allele origin: germline.

Illumina Laboratory Services, Illumina
Classification: Likely benign for Alport syndrome. Last evaluated: 2018-01-12. Review status: criteria provided, single submitter. Criteria: ICSL Variant Classification Criteria 13 December 2019. Collection method: clinical testing. Allele origin: germline.
Comment: This variant was observed in the ICSL laboratory as part of a predisposition screen in an ostensibly healthy population. It had not been previously curated by ICSL or reported in the Human Gene Mutation Database (HGMD: prior to June 1st, 2018), and was therefore a candidate for classification through an automated scoring system. Utilizing variant allele frequency, disease prevalence and penetrance estimates, and inheritance mode, an automated score was calculated to assess if this variant is too frequent to cause the disease. Based on the score and internal cut-off values, a variant classified as likely benign is not then subjected to further curation. The score for this variant resulted in a classification of likely benign for this disease.

Athena Diagnostics
Classification: Benign. Last evaluated: 2016-10-18. Review status: criteria provided, single submitter. Criteria: Athena Diagnostics Criteria. Collection method: clinical testing. Allele origin: germline.

Laboratory for Molecular Medicine, Mass General Brigham Personalized Medicine
Classification: Benign. Last evaluated: 2016-03-21. Review status: criteria provided, single submitter. Criteria: LMM Criteria. Collection method: clinical testing. Allele origin: germline. Observed: 1 variant allele.
Comment: p.Glu1672Glu in exon 48 of COL4A4: This variant is not expected to have clinical significance because it does not alter an amino acid residue, is not located wi thin the splice consensus sequence, and has been identified in 1.00% (98/9800) o f African chromosomes by the Exome Aggregation Consortium (ExAC; dbSNP rs34761049).

Breakthrough Genomics
Classification: Likely benign. Review status: criteria provided, single submitter. Criteria: ACMG Guidelines, 2015. Collection method: not provided. Allele origin: germline. Inheritance: Autosomal recessive inheritance. Affected: yes.

PreventionGenetics, part of Exact Sciences
Classification: Likely benign. Review status: criteria provided, single submitter. Criteria: ACMG Guidelines, 2015. Collection method: clinical testing. Allele origin: germline.

Natera, Inc.
Classification: Benign for Alport syndrome. Last evaluated: 2019-10-22. Review status: no assertion criteria provided. Collection method: clinical testing. Allele origin: germline. Not counted in ClinVar's aggregate classification.